The following is an entry in ClinVar:

ClinVar aggregate classification (germline): Uncertain significance (1 of 4 stars; one submission).

Conditions:
Hereditary cancer-predisposing syndrome. Also called: Tumor predisposition; Hereditary neoplastic syndrome; Hereditary Cancer Syndrome; Neoplastic Syndromes, Hereditary. Identifiers: Orphanet 140162, MedGen C0027672, MeSH D009386, MONDO:0015356.

Allele frequency attached by ClinVar (database versions not stated): TOPMed below 0.00001.
gnomAD v4.1: 1 of 1,572,378 alleles (0.000064%); no homozygotes.

Submission:

Ambry Genetics
Classification: Uncertain significance for Hereditary cancer-predisposing syndrome. Last evaluated: 2024-02-03. Review status: criteria provided, single submitter. Criteria: Ambry Variant Classification Scheme 2023. Collection method: clinical testing. Allele origin: germline.
Comment: The p.Y215S variant (also known as c.644A>C), located in coding exon 6 of the EPCAM gene, results from an A to C substitution at nucleotide position 644. The tyrosine at codon 215 is replaced by serine, an amino acid with dissimilar properties. This amino acid position is conserved. In addition, this alteration is predicted to be deleterious by in silico analysis. Based on the available evidence, the clinical significance of this alteration remains unclear.

NM_002354.3(EPCAM):c.644A>C (p.Tyr215Ser)

Gene: EPCAM (epithelial cell adhesion molecule; plus strand). Cytogenetic location: 2p21.
Variant type: single nucleotide variant.
Coding change: c.644A>C on transcript NM_002354.3 (MANE Select); coding-DNA position 644, A replaced by C.
Protein change: p.Tyr215Ser; replaces tyrosine 215 with serine.
Molecular consequence: missense variant.
Genome position (GRCh38, 1-based): chr2:47,379,041, A>C. VCF-style: chr2-47379041-A-C. GRCh37 (hg19) VCF-style: chr2-47606180-A-C.
Other names: short protein forms Y215S.
Identifiers: ClinVar variation 3222126 (VCV003222126.1), dbSNP rs1434809416, ClinGen allele CA346724274.